The following is an entry in ClinVar:

ClinVar aggregate classification (germline): Uncertain significance. Review status: criteria provided, single submitter (1 of 4 stars). 3 submissions from 3 submitters: Uncertain significance (1). 2 of the submissions do not count toward it. Last evaluated 2023-06-22.

Conditions:
Dejerine-Sottas disease. Also called: Hereditary motor and sensory neuropathy 3; HMSN Type III; DEJERINE-SOTTAS NEUROPATHY; HEREDITARY MOTOR AND SENSORY NEUROPATHY TYPE III; Charcot-Marie-Tooth disease type 3. Identifiers: Orphanet 64748, MedGen C0011195, MONDO:0007790, OMIM 145900.
Charcot-Marie-Tooth disease type 4F. Also called: Charcot-Marie-Tooth disease, demyelinating, type 4F. Identifiers: Orphanet 99952, MedGen C3540453, MONDO:0013959, OMIM 614895.

Allele frequency attached by ClinVar (database versions not stated): gnomAD exomes 0.00002 and 0.00001; TOPMed 0.00003; gnomAD 0.00001.
gnomAD v4.1: 10 of 1,612,038 alleles (0.00062%); highest among the groups gnomAD compares: East Asian, 0.018%; no homozygotes.

Submissions (3):

Kariminejad - Najmabadi Pathology & Genetics Center
Classification: Uncertain significance for Charcot-Marie-Tooth disease type 4F. Last evaluated: 2023-06-22. Review status: criteria provided, single submitter. Criteria: ACMG Guidelines, 2015. Collection method: clinical testing. Allele origin: germline. Inheritance: Autosomal recessive inheritance. Affected: yes.
Comment: PVS1(Strong),PM2(Supporting)

Inherited Neuropathy Consortium
Classification: Uncertain significance for Dejerine-Sottas disease. Review status: no assertion criteria provided. Collection method: literature only. Allele origin: germline. Affected: yes. Not counted in ClinVar's aggregate classification.

Next Generation Genetic Polyclinic
Classification: Likely pathogenic for Charcot-Marie-Tooth disease type 4F. Review status: no assertion criteria provided. Collection method: clinical testing. Allele origin: de novo. Affected: yes. Not counted in ClinVar's aggregate classification.

Literature cited by the submitters: PubMed 25628743 (cited by Inherited Neuropathy Consortium).

NM_181882.3(PRX):c.2035C>T (p.Arg679Ter)

Gene: PRX (periaxin; minus strand). Cytogenetic location: 19q13.2.
Variant type: single nucleotide variant.
Coding change: c.2035C>T on transcript NM_181882.3 (MANE Select); coding-DNA position 2035, C replaced by T.
Protein change: p.Arg679Ter; replaces arginine 679 with a stop codon.
Molecular consequence: nonsense. On other transcripts: 3 prime UTR variant (1).
Genome position (GRCh38, 1-based): chr19:40,396,317, G>A on the plus strand (C>T on the coding strand, the complement: PRX is on the minus strand). VCF-style: chr19-40396317-G-A. GRCh37 (hg19) VCF-style: chr19-40902224-G-A.
Other names: c.*2240C>T (NM_020956.2); short protein forms R679*.
Identifiers: ClinVar variation 637481 (VCV000637481.3), dbSNP rs1469912467, ClinGen allele CA405897139.